The following is an entry in ClinVar:

ClinVar aggregate classification (germline): Likely pathogenic (1 of 4 stars; one submission).

Conditions:
Autosomal recessive limb-girdle muscular dystrophy type 2D (LGMDR3). Also called: MUSCULAR DYSTROPHY, LIMB-GIRDLE, AUTOSOMAL RECESSIVE 3; DUCHENNE-LIKE AUTOSOMAL RECESSIVE MUSCULAR DYSTROPHY, TYPE 2; ADHALINOPATHY, PRIMARY. Identifiers: Orphanet 62, MedGen C2936332, MONDO:0011968, OMIM 608099. Disease mechanism: Affects gamma-sarcoglycan and also disrupts the integrity of the entire sarcoglycan complex..

Submission:

Labcorp Genetics (formerly Invitae), Labcorp
Classification: Likely pathogenic for Autosomal recessive limb-girdle muscular dystrophy type 2D. Last evaluated: 2024-02-17. Review status: criteria provided, single submitter. Criteria: Invitae Variant Classification Sherloc (09022015). Collection method: clinical testing. Allele origin: germline.
Comment: This sequence change replaces isoleucine, which is neutral and non-polar, with phenylalanine, which is neutral and non-polar, at codon 103 of the SGCA protein (p.Ile103Phe). This variant is not present in population databases (gnomAD no frequency). This variant has not been reported in the literature in individuals affected with SGCA-related conditions. Advanced modeling of protein sequence and biophysical properties (such as structural, functional, and spatial information, amino acid conservation, physicochemical variation, residue mobility, and thermodynamic stability) performed at Invitae indicates that this missense variant is expected to disrupt SGCA protein function with a positive predictive value of 95%. This variant disrupts the p.Ile103 amino acid residue in SGCA. Other variant(s) that disrupt this residue have been determined to be pathogenic (PMID: 9032047, 25135358; Invitae). This suggests that this residue is clinically significant, and that variants that disrupt this residue are likely to be disease-causing. In summary, the currently available evidence indicates that the variant is pathogenic, but additional data are needed to prove that conclusively. Therefore, this variant has been classified as Likely Pathogenic.

Literature cited by the submitters: PubMed 9032047; PubMed 25135358.

NM_000023.4(SGCA):c.307A>T (p.Ile103Phe)

Gene: SGCA (sarcoglycan alpha; plus strand). Cytogenetic location: 17q21.33.
Variant type: single nucleotide variant.
Coding change: c.307A>T on transcript NM_000023.4 (MANE Select); coding-DNA position 307, A replaced by T.
Protein change: p.Ile103Phe; replaces isoleucine 103 with phenylalanine.
Molecular consequence: missense variant. On other transcripts: non-coding transcript variant (1).
Genome position (GRCh38, 1-based): chr17:50,167,731, A>T. VCF-style: chr17-50167731-A-T. GRCh37 (hg19) VCF-style: chr17-48245092-A-T.
Other names: c.307A>T, p.Ile103Phe (NM_001135697.3); short protein forms I103F.
Identifiers: ClinVar variation 2736614 (VCV002736614.3), dbSNP rs370819630, ClinGen allele CA400177985.